The following is an entry in ClinVar:

NM_004360.5(CDH1):c.1803C>T (p.Phe601=)

Gene: CDH1 (cadherin 1; plus strand). Cytogenetic location: 16q22.1.
Variant type: single nucleotide variant.
Coding change: c.1803C>T on transcript NM_004360.5 (MANE Select); coding-DNA position 1803, C replaced by T.
Protein change: p.Phe601=; no amino-acid change (phenylalanine 601 retained).
Molecular consequence: synonymous variant. On other transcripts: 5 prime UTR variant (1).
Genome position (GRCh38, 1-based): chr16:68,822,092, C>T. VCF-style: chr16-68822092-C-T. GRCh37 (hg19) VCF-style: chr16-68855995-C-T.
Other names: c.1620C>T, p.Phe540= (NM_001317184.2); c.255C>T, p.Phe85= (NM_001317185.2); c.-163C>T (NM_001317186.2).
Identifiers: ClinVar variation 3379337 (VCV003379337.2).
Genomic context (GRCh38, chr16:68,822,092, plus strand): 5'-TCTGCTGATCCTGTCTGATGTGAATGACAACGCCCCCATACCAGAACCTCGAACTATATT[C>T]TTCTGTGAGAGGAATCCAAAGCCTCAGGTCATAAACATCATTGATGCAGACCTTCCTCCC-3'
Protein context (NP_004351.1, residues 591-611): NAPIPEPRTI[Phe601=]FCERNPKPQV

ClinVar aggregate classification (germline): Benign/Likely benign. Review status: criteria provided, multiple submitters, no conflicts (2 of 4 stars). 2 submissions from 2 submitters: Benign (1); Likely benign (1). Last evaluated 2025-09-24.

Conditions:
Hereditary diffuse gastric adenocarcinoma (HDGC). Also called: DIFFUSE GASTRIC AND LOBULAR BREAST CANCER SYNDROME. Identifiers: Orphanet 26106, MedGen C1708349, MONDO:0007648, OMIM 137215.

Submissions (2):

Labcorp Genetics (formerly Invitae), Labcorp
Classification: Likely benign for Hereditary diffuse gastric adenocarcinoma. Last evaluated: 2025-09-24. Review status: criteria provided, single submitter. Criteria: Invitae Variant Classification Sherloc (09022015). Collection method: clinical testing. Allele origin: germline.

Myriad Genetics, Inc.
Classification: Benign for Hereditary diffuse gastric adenocarcinoma. Last evaluated: 2024-09-20. Review status: criteria provided, single submitter. Criteria: Myriad Autosomal Dominant, Autosomal Recessive and X-Linked Classification Criteria (2023). Collection method: clinical testing. Allele origin: unknown.
Comment: This variant is considered benign. This variant is a silent/synonymous amino acid change and it is not expected to impact splicing.